The following is an entry in ClinVar:

NM_000384.3(APOB):c.904+1G>A

Gene: APOB (apolipoprotein B; minus strand). Cytogenetic location: 2p24.1.
Variant type: single nucleotide variant.
Coding change: c.904+1G>A on transcript NM_000384.3 (MANE Select); the canonical splice donor site of the intron after coding-DNA position 904, G replaced by A.
Molecular consequence: splice donor variant.
Genome position (GRCh38, 1-based): chr2:21,034,815, C>T on the plus strand (G>A on the coding strand, the complement: APOB is on the minus strand). VCF-style: chr2-21034815-C-T. GRCh37 (hg19) VCF-style: chr2-21257687-C-T.
Identifiers: ClinVar variation 2928257 (VCV002928257.3), dbSNP rs2465438693, ClinGen allele CA345960482.

ClinVar aggregate classification (germline): Likely pathogenic (1 of 4 stars; one submission).

Conditions:
Hypercholesterolemia, autosomal dominant, type B (FHCL2). Also called: APOB-Related Familial Hypercholesterolemia, Autosomal Dominant; Familial Hypercholesterolemia Type B; APOLIPOPROTEIN B-100, FAMILIAL DEFECTIVE; APOLIPOPROTEIN B-100, FAMILIAL LIGAND-DEFECTIVE; HYPERCHOLESTEROLEMIA, FAMILIAL, DUE TO LIGAND-DEFECTIVE APOLIPOPROTEIN B; Hyperlipoproteinemia Type IIb. Identifiers: MedGen C1704417, MONDO:0007751, OMIM 144010.
Familial hypobetalipoproteinemia 1. Also called: Hypobetalipoproteinemia, normotriglyceridemic; Acanthocytosis with hypobetalipoproteinemia; APOB-Related Familial Hypobetalipoproteinemia. Identifiers: MedGen C4551990, MONDO:0014252, OMIM 615558.

Allele frequency attached by ClinVar (database versions not stated): gnomAD exomes below 0.00001.
gnomAD v4.1: 1 of 1,571,388 alleles (0.000064%); highest among the groups gnomAD compares: Admixed American, 0.0017%; no homozygotes.

Submission:

Labcorp Genetics (formerly Invitae), Labcorp
Classification: Likely pathogenic for Familial hypobetalipoproteinemia 1; Hypercholesterolemia, autosomal dominant, type B. Last evaluated: 2024-02-05. Review status: criteria provided, single submitter. Criteria: Invitae Variant Classification Sherloc (09022015). Collection method: clinical testing. Allele origin: germline.
Comment: This sequence change affects a donor splice site in intron 8 of the APOB gene. It is expected to disrupt RNA splicing. Variants that disrupt the donor or acceptor splice site typically lead to a loss of protein function (PMID: 16199547), and loss-of-function variants in APOB are known to be pathogenic (PMID: 20032471). This variant is not present in population databases (gnomAD no frequency). This variant has not been reported in the literature in individuals affected with APOB-related conditions. Algorithms developed to predict the effect of sequence changes on RNA splicing suggest that this variant may disrupt the consensus splice site. In summary, the currently available evidence indicates that the variant is pathogenic, but additional data are needed to prove that conclusively. Therefore, this variant has been classified as Likely Pathogenic.

Literature cited by the submitters: PubMed 16199547; PubMed 20032471.